The following is an entry in ClinVar:

NM_001007553.3(CSDE1):c.2362G>C (p.Glu788Gln)

Gene: CSDE1 (cold shock domain containing E1; minus strand). Cytogenetic location: 1p13.2.
Variant type: single nucleotide variant.
Coding change: c.2362G>C on transcript NM_001007553.3 (MANE Select); coding-DNA position 2362, G replaced by C.
Protein change: p.Glu788Gln; replaces glutamic acid 788 with glutamine.
Molecular consequence: missense variant.
Genome position (GRCh38, 1-based): chr1:114,718,204, C>G on the plus strand (G>C on the coding strand, the complement: CSDE1 is on the minus strand). VCF-style: chr1-114718204-C-G. GRCh37 (hg19) VCF-style: chr1-115260825-C-G.
Other names: c.2407G>C, p.Glu803Gln (NM_001130523.3); c.2500G>C, p.Glu834Gln (NM_001242891.2); c.2362G>C, p.Glu788Gln (NM_001242892.2); c.2269G>C, p.Glu757Gln (NM_001242893.2, NM_007158.6); short protein forms E788Q, E803Q, E834Q, E757Q.
Identifiers: ClinVar variation 1314739 (VCV001314739.2), dbSNP rs2101001262, ClinGen allele CA341744343.

ClinVar aggregate classification (germline): Uncertain significance (1 of 4 stars; one submission).

Submission:

GeneDx
Classification: Uncertain significance. Last evaluated: 2021-04-21. Review status: criteria provided, single submitter. Criteria: GeneDx Variant Classification Process June 2021. Collection method: clinical testing. Allele origin: germline. Affected: yes.
Comment: Not observed in large population cohorts (Lek et al., 2016); In silico analysis supports that this missense variant does not alter protein structure/function; Has not been previously published as pathogenic or benign to our knowledge